The following is an entry in ClinVar:

ClinVar aggregate classification (germline): Pathogenic (1 of 4 stars; one submission).

Conditions:
GLUT1 deficiency syndrome 1, autosomal recessive. Identifiers: MedGen C3149117.

Submission:

Labcorp Genetics (formerly Invitae), Labcorp
Classification: Pathogenic for GLUT1 deficiency syndrome 1, autosomal recessive. Last evaluated: 2025-07-15. Review status: criteria provided, single submitter. Criteria: Invitae Variant Classification Sherloc (09022015). Collection method: clinical testing. Allele origin: germline.
Comment: This sequence change replaces glutamine, which is neutral and polar, with leucine, which is neutral and non-polar, at codon 161 of the SLC2A1 protein (p.Gln161Leu). This variant is not present in population databases (gnomAD no frequency). This missense change has been observed in individual(s) with SLC2A1-related conditions (internal data). In at least one individual the variant was observed to be de novo. ClinVar contains an entry for this variant (Variation ID: 3633553). Invitae Evidence Modeling of protein sequence and biophysical properties (such as structural, functional, and spatial information, amino acid conservation, physicochemical variation, residue mobility, and thermodynamic stability) indicates that this missense variant is expected to disrupt SLC2A1 protein function with a positive predictive value of 95%. For these reasons, this variant has been classified as Pathogenic.

NM_006516.4(SLC2A1):c.482A>T (p.Gln161Leu)

Gene: SLC2A1 (solute carrier family 2 member 1; minus strand). Cytogenetic location: 1p34.2.
Variant type: single nucleotide variant.
Coding change: c.482A>T on transcript NM_006516.4 (MANE Select); coding-DNA position 482, A replaced by T.
Protein change: p.Gln161Leu; replaces glutamine 161 with leucine.
Molecular consequence: missense variant.
Genome position (GRCh38, 1-based): chr1:42,930,660, T>A on the plus strand (A>T on the coding strand, the complement: SLC2A1 is on the minus strand). VCF-style: chr1-42930660-T-A. GRCh37 (hg19) VCF-style: chr1-43396331-T-A.
Other names: short protein forms Q161L.
Identifiers: ClinVar variation 3633553 (VCV003633553.2).